The following is an entry in ClinVar:

ClinVar aggregate classification (germline): Benign/Likely benign. Review status: criteria provided, multiple submitters, no conflicts (2 of 4 stars). 11 submissions from 11 submitters: Benign (9); Likely benign (1). 1 of the submissions does not count toward it. Last evaluated 2026-08-01.

Conditions:
Polycystic kidney disease 4 (PKD4). Also called: POLYCYSTIC KIDNEY AND HEPATIC DISEASE 1; POLYCYSTIC KIDNEY DISEASE, INFANTILE, TYPE I; POLYCYSTIC KIDNEY DISEASE 4 WITH OR WITHOUT POLYCYSTIC LIVER DISEASE; Autosomal Recessive Polycystic Kidney Disease – PKHD1; PKD3. Identifiers: MedGen C4540575, MONDO:0033004, OMIM 263200.
Autosomal recessive polycystic kidney disease (ARPKD). Also called: AR polycystic kidney disease. Identifiers: Orphanet 731, Orphanet 8378, MedGen C0085548, MeSH D017044, MONDO:0009889.

Allele frequency attached by ClinVar (database versions not stated): ESP Exome Variant Server 0.00008; 1000 Genomes Project 30x 0.00515; gnomAD 0.00158 and 0.00180; TOPMed 0.00366; ExAC 0.00420; 1000 Genomes Project 0.00479.
gnomAD v4.1: 2,150 of 1,613,928 alleles (0.13%); highest among the groups gnomAD compares: Admixed American, 2.9%; 33 homozygotes.

Submissions (12):

CeGaT Center for Human Genetics Tuebingen
Classification: Benign. Last evaluated: 2026-08-01. Review status: criteria provided, single submitter. Criteria: CeGaT Center For Human Genetics Tuebingen Variant Classification Criteria Version 2. Collection method: clinical testing. Allele origin: germline. Affected: yes. Observed: 7 variant alleles.
Comment: PKHD1: BS1, BS2

Labcorp Genetics (formerly Invitae), Labcorp
Classification: Benign for Autosomal recessive polycystic kidney disease. Last evaluated: 2026-02-02. Review status: criteria provided, single submitter. Criteria: Invitae Variant Classification Sherloc (09022015). Collection method: clinical testing. Allele origin: germline.

Blueprint Genetics
Classification: Likely benign. Last evaluated: 2024-10-23. Review status: criteria provided, single submitter. Criteria: ACMG Guidelines, 2015. Collection method: clinical testing. Allele origin: germline.

Women's Health and Genetics/Laboratory Corporation of America, LabCorp
Classification: Benign. Last evaluated: 2022-07-13. Review status: criteria provided, single submitter. Criteria: LabCorp Variant Classification Summary - May 2015. Collection method: clinical testing. Allele origin: germline.
Comment: Variant summary: PKHD1 c.7942G>A (p.Gly2648Ser) results in a non-conservative amino acid change in the encoded protein sequence. Five of five in-silico tools predict a damaging effect of the variant on protein function. The variant allele was found at a frequency of 0.0056 in 251260 control chromosomes (gnomAD), predominantly at a frequency of 0.036 within the Latino subpopulation in the gnomAD database, including 21 homozygotes. The observed variant frequency within Latino control individuals in the gnomAD database is approximately 5-fold of the estimated maximal expected allele frequency for a pathogenic variant in PKHD1 causing Polycystic Kidney And Hepatic Disease phenotype (0.0071), strongly suggesting that the variant is a benign polymorphism found primarily in populations of Latino origin. c.7942G>A has been reported in the literature in at least two heterozygous individuals affected with Polycystic Kidney Disease, however without strong evidence for causality (e.g.Krall_2014, Hu_2021). Therefore, these reports do not provide unequivocal conclusions about association of the variant with Polycystic Kidney And Hepatic Disease. To our knowledge, no experimental evidence demonstrating an impact on protein function has been reported. Five clinical diagnostic laboratories have submitted clinical-significance assessments for this variant to ClinVar after 2014 and all classified the variant as benign. Based on the evidence outlined above, the variant was classified as benign.

Fulgent Genetics
Classification: Benign for Polycystic kidney disease 4. Last evaluated: 2022-04-07. Review status: criteria provided, single submitter. Criteria: ACMG Guidelines, 2015. Collection method: clinical testing. Allele origin: unknown.

Mayo Clinic Laboratories, Mayo Clinic
Classification: Benign. Last evaluated: 2021-09-20. Review status: criteria provided, single submitter. Criteria: ACMG Guidelines, 2015. Collection method: clinical testing. Allele origin: germline. Observed: 13 variant alleles.

GeneDx
Classification: Benign. Last evaluated: 2020-03-04. Review status: criteria provided, single submitter. Criteria: GeneDx Variant Classification Process June 2021. Collection method: clinical testing. Allele origin: germline. Affected: yes.
Comment: This variant is associated with the following publications: (PMID: 16876319, 24162162)

Illumina Laboratory Services, Illumina
Classification: Benign for Polycystic kidney disease 4. Last evaluated: 2017-04-27. Review status: criteria provided, single submitter. Criteria: ICSL Variant Classification Criteria 13 December 2019. Collection method: clinical testing. Allele origin: germline.
Comment: This variant was observed as part of a predisposition screen in an ostensibly healthy population. A literature search was performed for the gene, cDNA change, and amino acid change (where applicable). Publications were found based on this search. The evidence from the literature, in combination with allele frequency data from public databases where available, was sufficient to rule this variant out of causing disease. Therefore, this variant is classified as benign.

Eurofins Ntd Llc (ga)
Classification: Benign. Last evaluated: 2015-03-11. Review status: criteria provided, single submitter. Criteria: EGL Classification Definitions 2015. Collection method: clinical testing. Allele origin: germline. Observed: 4 variant alleles, 4 heterozygotes.

PreventionGenetics, part of Exact Sciences
Classification: Benign. Review status: criteria provided, single submitter. Criteria: ACMG Guidelines, 2015. Collection method: clinical testing. Allele origin: germline.

Natera, Inc.
Classification: Benign for Autosomal recessive polycystic kidney disease. Last evaluated: 2017-05-16. Review status: no assertion criteria provided. Collection method: clinical testing. Allele origin: germline. Not counted in ClinVar's aggregate classification.

Dr. Peter K. Rogan Lab, Western University
No classification provided (evidence only). Condition: Hepatocellular carcinoma. Review status: no classification provided. Collection method: in vitro. Allele origin: not applicable. Functional consequence: skipped exon, retained intron. Not counted in ClinVar's aggregate classification.

Literature cited by the submitters: PubMed 24162162 (cited by Women's Health and Genetics/Laboratory Corporation of America, LabCorp and Illumina Laboratory Services, Illumina); PubMed 34032358 (cited by Women's Health and Genetics/Laboratory Corporation of America, LabCorp); PubMed 16876319 (cited by Illumina Laboratory Services, Illumina).

NM_138694.4(PKHD1):c.7942G>A (p.Gly2648Ser)

Gene: PKHD1 (PKHD1 ciliary IPT domain containing fibrocystin/polyductin; minus strand). Cytogenetic location: 6p12.2.
Variant type: single nucleotide variant.
Coding change: c.7942G>A on transcript NM_138694.4 (MANE Select); coding-DNA position 7942, G replaced by A.
Protein change: p.Gly2648Ser; replaces glycine 2648 with serine.
Molecular consequence: missense variant.
Genome position (GRCh38, 1-based): chr6:51,847,940, C>T on the plus strand (G>A on the coding strand, the complement: PKHD1 is on the minus strand). VCF-style: chr6-51847940-C-T. GRCh37 (hg19) VCF-style: chr6-51712738-C-T.
Other names: c.7942G>A, p.Gly2648Ser (NM_170724.3); short protein forms G2648S.
Identifiers: ClinVar variation 96427 (VCV000096427.42), dbSNP rs139555370, ClinGen allele CA149529.